The following is an entry in ClinVar:

NM_001999.4(FBN2):c.5348G>A (p.Gly1783Glu)

Gene: FBN2 (fibrillin 2; minus strand). Cytogenetic location: 5q23.3.
Variant type: single nucleotide variant.
Coding change: c.5348G>A on transcript NM_001999.4 (MANE Select); coding-DNA position 5348, G replaced by A.
Protein change: p.Gly1783Glu; replaces glycine 1783 with glutamic acid.
Molecular consequence: missense variant.
Genome position (GRCh38, 1-based): chr5:128,309,252, C>T on the plus strand (G>A on the coding strand, the complement: FBN2 is on the minus strand). VCF-style: chr5-128309252-C-T. GRCh37 (hg19) VCF-style: chr5-127644944-C-T.
Other names: short protein forms G1783E.
Identifiers: ClinVar variation 3767460 (VCV003767460.1).

ClinVar aggregate classification (germline): Uncertain significance (1 of 4 stars; one submission).

gnomAD v4.1: 1 of 1,614,042 alleles (0.000062%); highest among the groups gnomAD compares: Non-Finnish European, 0.000085%; no homozygotes.

Submission:

GeneDx
Classification: Uncertain significance. Last evaluated: 2024-09-10. Review status: criteria provided, single submitter. Criteria: GeneDx Variant Classification Process June 2021. Collection method: clinical testing. Allele origin: germline. Affected: yes.
Comment: Not observed at significant frequency in large population cohorts (gnomAD); In silico analysis supports that this missense variant has a deleterious effect on protein structure/function; Has not been previously published as pathogenic or benign to our knowledge